The following is an entry in ClinVar:

NM_016333.4(SRRM2):c.107A>G (p.Tyr36Cys)

Gene: SRRM2 (serine/arginine repetitive matrix 2; plus strand). Cytogenetic location: 16p13.3.
Variant type: single nucleotide variant.
Coding change: c.107A>G on transcript NM_016333.4 (MANE Select); coding-DNA position 107, A replaced by G.
Protein change: p.Tyr36Cys; replaces tyrosine 36 with cysteine.
Molecular consequence: missense variant.
Genome position (GRCh38, 1-based): chr16:2,756,471, A>G. VCF-style: chr16-2756471-A-G. GRCh37 (hg19) VCF-style: chr16-2806472-A-G.
Other names: short protein forms Y36C.
Identifiers: ClinVar variation 4887660 (VCV004887660.1).
Genomic context (GRCh38, chr16:2,756,471, plus strand): 5'-ACGGCTACGTCCAGCGCAACCTGTCCCTGGTGCGGGGCCGCCGGGGTGAGCGGCCTGACT[A>G]CAAGGGAGAGGAGGAACTGCGGCGCCTGGAGGCTGCCCTGGTGAAGCGGCCTAATCCTGA-3'
Protein context (NP_057417.3, residues 26-46): VRGRRGERPD[Tyr36Cys]KGEEELRRLE

ClinVar aggregate classification (germline): Uncertain significance (1 of 4 stars; one submission).

gnomAD v4.1: 10 of 1,613,750 alleles (0.00062%); highest among the groups gnomAD compares: East Asian, 0.0045%; no homozygotes.

Submission:

Women's Health and Genetics/Laboratory Corporation of America, LabCorp
Classification: Uncertain significance. Last evaluated: 2026-06-26. Review status: criteria provided, single submitter. Criteria: LabCorp Variant Classification Summary - May 2015. Collection method: clinical testing. Allele origin: germline.
Comment: Variant summary: SRRM2 c.107A>G (p.Tyr36Cys) results in a non-conservative amino acid change in the encoded protein sequence. Algorithms developed to predict the effect of missense changes on protein structure and function are either unavailable or do not agree on the potential impact of this missense change. The variant allele was found at a frequency of 2e-05 in 249132 control chromosomes. The available data on variant occurrences in the general population are insufficient to allow any conclusion about variant significance. To our knowledge, no occurrence of c.107A>G in individuals affected with SRRM2-related conditions and no experimental evidence demonstrating its impact on protein function have been reported. No submitters have cited clinical-significance assessments for this variant to ClinVar. Based on the evidence outlined above, the variant was classified as uncertain significance.